The following is an entry in ClinVar:

ClinVar aggregate classification (germline): Uncertain significance. Review status: criteria provided, multiple submitters, no conflicts (2 of 4 stars). 4 submissions from 4 submitters: Uncertain significance (4). Last evaluated 2026-01-05.

Conditions:
Hereditary cancer-predisposing syndrome. Also called: Tumor predisposition; Hereditary neoplastic syndrome; Neoplastic Syndromes, Hereditary; Hereditary Cancer Syndrome. Identifiers: Orphanet 140162, MedGen C0027672, MeSH D009386, MONDO:0015356.
Ataxia-telangiectasia syndrome (AT). Also called: LOUIS-BAR SYNDROME; Cerebello-oculocutaneous telangiectasia; Immunodeficiency with ataxia telangiectasia; Ataxia-telangiectasia, complementation group D; AT, COMPLEMENTATION GROUP C; ATAXIA-TELANGIECTASIA, COMPLEMENTATION GROUP A. Identifiers: Orphanet 100, MedGen C0004135, MONDO:0008840, OMIM 208900.

Submissions (4):

Labcorp Genetics (formerly Invitae), Labcorp
Classification: Uncertain significance for Ataxia-telangiectasia syndrome. Last evaluated: 2026-01-05. Review status: criteria provided, single submitter. Criteria: Invitae Variant Classification Sherloc (09022015). Collection method: clinical testing. Allele origin: germline.
Comment: This sequence change replaces leucine, which is neutral and non-polar, with phenylalanine, which is neutral and non-polar, at codon 1651 of the ATM protein (p.Leu1651Phe). This variant is not present in population databases (gnomAD no frequency). This variant has not been reported in the literature in individuals affected with ATM-related conditions. ClinVar contains an entry for this variant (Variation ID: 495392). Invitae Evidence Modeling of protein sequence and biophysical properties (such as structural, functional, and spatial information, amino acid conservation, physicochemical variation, residue mobility, and thermodynamic stability) has been performed for this missense variant. However, the output from this modeling did not meet the statistical confidence thresholds required to predict the impact of this variant on ATM protein function. Algorithms developed to predict the effect of sequence changes on RNA splicing suggest that this variant may disrupt the consensus splice site. In summary, the available evidence is currently insufficient to determine the role of this variant in disease. Therefore, it has been classified as a Variant of Uncertain Significance.

Color Diagnostics, LLC DBA Color Health
Classification: Uncertain significance for Hereditary cancer-predisposing syndrome. Last evaluated: 2023-12-04. Review status: criteria provided, single submitter. Criteria: ACMG Guidelines, 2015. Collection method: clinical testing. Allele origin: germline.
Comment: This missense variant replaces leucine with phenylalanine at codon 1651 of the ATM protein. Computational prediction is inconclusive regarding the impact of this variant on protein structure and function (internally defined REVEL score threshold 0.5 < inconclusive < 0.7, PMID: 27666373). To our knowledge, functional studies have not been reported for this variant. This variant has not been reported in individuals affected with ATM-related disorders in the literature. This variant has not been identified in the general population by the Genome Aggregation Database (gnomAD). The available evidence is insufficient to determine the role of this variant in disease conclusively. Therefore, this variant is classified as a Variant of Uncertain Significance.

Ambry Genetics
Classification: Uncertain significance for Hereditary cancer-predisposing syndrome. Last evaluated: 2021-12-09. Review status: criteria provided, single submitter. Criteria: Ambry Variant Classification Scheme 2023. Collection method: clinical testing. Allele origin: germline.
Comment: The p.L1651F variant (also known as c.4953G>T), located in coding exon 32 of the ATM gene, results from a G to T substitution at nucleotide position 4953. The leucine at codon 1651 is replaced by phenylalanine, an amino acid with highly similar properties. This amino acid position is highly conserved in available vertebrate species. In addition, the in silico prediction for this alteration is inconclusive. Since supporting evidence is limited at this time, the clinical significance of this alteration remains unclear.

Women's Health and Genetics/Laboratory Corporation of America, LabCorp
Classification: Uncertain significance. Last evaluated: 2016-05-03. Review status: criteria provided, single submitter. Criteria: LabCorp Variant Classification Summary - May 2015. Collection method: clinical testing. Allele origin: germline.
Comment: Variant summary: The ATM variant, c.4953G>T (p.Leu1651Phe) causes a missense change involving a non-conserved nucleotide with 2/4 in silico tools (SNPs&GO not captured here due to low reliability index) predict a "benign" outcome, although these predictions have yet to be functionally assessed. The variant of interest was not observed in controls (ExAC, 1000 Gs or ESP), nor has it been, to our knowledge, reported in affected individuals via publications and/or reputable databases/clinical laboratories. Therefore, taking all available lines of evidence into consideration, the variant of interest is classified as a "Variant of Uncertain Significance (VUS)," until additional information becomes available.

NM_000051.4(ATM):c.4953G>T (p.Leu1651Phe)

Gene: ATM (ATM serine/threonine kinase; plus strand). Cytogenetic location: 11q22.3.
Variant type: single nucleotide variant.
Coding change: c.4953G>T on transcript NM_000051.4 (MANE Select); coding-DNA position 4953, G replaced by T.
Protein change: p.Leu1651Phe; replaces leucine 1651 with phenylalanine.
Molecular consequence: missense variant.
Genome position (GRCh38, 1-based): chr11:108,297,330, G>T. VCF-style: chr11-108297330-G-T. GRCh37 (hg19) VCF-style: chr11-108168057-G-T.
Other names: c.4953G>T, p.Leu1651Phe (NM_001351834.2); short protein forms L1651F.
Identifiers: ClinVar variation 495392 (VCV000495392.15), dbSNP rs786201297, ClinGen allele CA382538263.